The following is an entry in ClinVar:

ClinVar aggregate classification (germline): Likely benign. Review status: criteria provided, multiple submitters, no conflicts (2 of 4 stars). 3 submissions from 3 submitters: Likely benign (3). Last evaluated 2024-12-18.

Conditions:
Hereditary cancer-predisposing syndrome. Also called: Hereditary Cancer Syndrome; Neoplastic Syndromes, Hereditary; Hereditary neoplastic syndrome; Tumor predisposition. Identifiers: Orphanet 140162, MedGen C0027672, MeSH D009386, MONDO:0015356.
Retinoblastoma (RB1). Also called: RETINOBLASTOMA, SOMATIC. Identifiers: Orphanet 790, MedGen C0035335, MeSH D012175, MONDO:0008380, OMIM 180200, HP:0009919. Disease mechanism: loss of function. Inheritance: Both sporadic and heritable forms are tested..

Allele frequency attached by ClinVar (database versions not stated): gnomAD exomes below 0.00001; TOPMed below 0.00001; gnomAD 0.00001.
gnomAD v4.1: 2 of 1,613,774 alleles (0.00012%); highest among the groups gnomAD compares: Non-Finnish European, 0.00017%; no homozygotes.

Submissions (3):

Labcorp Genetics (formerly Invitae), Labcorp
Classification: Likely benign for Retinoblastoma. Last evaluated: 2024-12-18. Review status: criteria provided, single submitter. Criteria: Invitae Variant Classification Sherloc (09022015). Collection method: clinical testing. Allele origin: germline.

All of Us Research Program, National Institutes of Health
Classification: Likely benign for Retinoblastoma. Last evaluated: 2023-06-26. Review status: criteria provided, single submitter. Criteria: ACMG Guidelines, 2015. Collection method: clinical testing. Allele origin: germline. Inheritance: Autosomal dominant inheritance. Observed: 1 variant allele, 1 heterozygote.
Comment: This study involves interpretation of variants in research participants for the purpose of population health screening. Participant phenotype was not available at the time of variant classification. Additional details can be found in publication PMID: 35346344, PMCID: PMC8962531

Ambry Genetics
Classification: Likely benign for Hereditary cancer-predisposing syndrome. Last evaluated: 2020-03-13. Review status: criteria provided, single submitter. Criteria: Ambry Variant Classification Scheme 2023. Collection method: clinical testing. Allele origin: germline.

NM_000321.3(RB1):c.813A>G (p.Thr271=)

Gene: RB1 (RB transcriptional corepressor 1; plus strand). Cytogenetic location: 13q14.2.
Variant type: single nucleotide variant.
Coding change: c.813A>G on transcript NM_000321.3 (MANE Select); coding-DNA position 813, A replaced by G.
Protein change: p.Thr271=; no amino-acid change (threonine 271 retained).
Molecular consequence: synonymous variant.
Genome position (GRCh38, 1-based): chr13:48,362,909, A>G. VCF-style: chr13-48362909-A-G. GRCh37 (hg19) VCF-style: chr13-48937045-A-G.
Identifiers: ClinVar variation 1141974 (VCV001141974.12), dbSNP rs1264516748, ClinGen allele CA483557914.